The following is an entry in ClinVar:

NM_005215.4(DCC):c.1754T>A (p.Leu585Gln)

Gene: DCC (DCC netrin 1 receptor; plus strand). Cytogenetic location: 18q21.2.
Variant type: single nucleotide variant.
Coding change: c.1754T>A on transcript NM_005215.4 (MANE Select); coding-DNA position 1754, T replaced by A.
Protein change: p.Leu585Gln; replaces leucine 585 with glutamine.
Molecular consequence: missense variant.
Genome position (GRCh38, 1-based): chr18:53,207,710, T>A. VCF-style: chr18-53207710-T-A. GRCh37 (hg19) VCF-style: chr18-50734080-T-A.
Other names: short protein forms L585Q.
Identifiers: ClinVar variation 3252379 (VCV003252379.1), dbSNP rs2511837269.

ClinVar aggregate classification (germline): Uncertain significance (1 of 4 stars; one submission).

Submission:

GeneDx
Classification: Uncertain significance. Last evaluated: 2023-12-07. Review status: criteria provided, single submitter. Criteria: GeneDx Variant Classification Process June 2021. Collection method: clinical testing. Allele origin: germline. Affected: yes.
Comment: Not observed at significant frequency in large population cohorts (gnomAD); In silico analysis supports that this missense variant has a deleterious effect on protein structure/function; Has not been previously published as pathogenic or benign to our knowledge